The following is an entry in ClinVar:

ClinVar aggregate classification (germline): Pathogenic/Likely pathogenic. Review status: criteria provided, multiple submitters, no conflicts (2 of 4 stars). 2 submissions from 2 submitters: Pathogenic (1); Likely pathogenic (1). Last evaluated 2025-07-30.

Conditions:
Nemaline myopathy 2 (NEM2). Also called: Nemaline myopathy 2, autosomal recessive. Identifiers: MedGen C1850569, MONDO:0009725, OMIM 256030.

Submissions (2):

Natera, Inc.
Classification: Likely pathogenic for Nemaline myopathy type 2. Last evaluated: 2025-07-30. Review status: criteria provided, single submitter. Criteria: Natera Variant Classification Schema (03/2026). Collection method: clinical testing. Allele origin: germline.
Comment: The c.13328del variant in NEB is a frameshift variant predicted to shift the reading frame beginning at codon 4443 and leads to a stop codon 26 codons downstream. This variant is expected to result in nonsense mediated decay, truncation, or a dysfunctional protein product. This variant is rare in the general population with a frequency below the threshold expected for the associated phenotype(s). Given the available evidence, this variant is classified as Likely Pathogenic.

Labcorp Genetics (formerly Invitae), Labcorp
Classification: Pathogenic for Nemaline myopathy 2. Last evaluated: 2023-04-25. Review status: criteria provided, single submitter. Criteria: Invitae Variant Classification Sherloc (09022015). Collection method: clinical testing. Allele origin: germline.
Comment: For these reasons, this variant has been classified as Pathogenic. ClinVar contains an entry for this variant (Variation ID: 1360156). This variant has not been reported in the literature in individuals affected with NEB-related conditions. The frequency data for this variant in the population databases (gnomAD) is considered unreliable due to the presence of homologous sequence, such as pseudogenes or paralogs, in the genome. This sequence change creates a premature translational stop signal (p.Leu4443Argfs*26) in the NEB gene. It is expected to result in an absent or disrupted protein product. Loss-of-function variants in NEB are known to be pathogenic (PMID: 25205138). This variant occurs in a region of NEB (Exons 82-105) consisting of three highly homologous 8-exon repeat units (exons 82-89, exons 90-97, exons 98-105). Sequence variants in this region can be detected, but this assay cannot determine which of the three repeat units is affected, and zygosity is often ambiguous. All variants in this region are reported relative to the exon 82-89 repeat.

Literature cited by the submitters: PubMed 25205138 (cited by Labcorp Genetics (formerly Invitae), Labcorp).

NM_001164508.2(NEB):c.13328del (p.Leu4443fs)

Gene: NEB (nebulin; minus strand). Cytogenetic location: 2q23.3.
Variant type: Deletion.
Coding change: c.13328del on transcript NM_001164508.2 (MANE Select); coding-DNA position 13328, one base deleted (T; older notation c.13328delT).
Protein change: p.Leu4443fs; shifts the reading frame from leucine 4443.
Molecular consequence: frameshift variant. On other transcripts: intron variant (1).
Genome position (GRCh38, 1-based): chr2:151,602,627, A deleted on the plus strand (T on the coding strand, the reverse complement: NEB is on the minus strand). VCF-style (leftmost placement, unchanged base first): chr2-151602626-CA-C. GRCh37 (hg19) VCF-style: chr2-152459140-CA-C.
Other names: c.13328del (NM_001271208.1); c.13328del, p.Leu4443fs (NM_001164507.2, NM_001271208.2); c.11601+7182del (NM_004543.5); short protein forms L4443fs.
Identifiers: ClinVar variation 1360156 (VCV001360156.7), dbSNP rs2153925181, ClinGen allele CA2573133398.
Genomic context (GRCh38, chr2:151,602,626, plus strand): 5'-AAATGATGTGTGCTGTCTTACATTGCTGATCTGCAGGGCATTGATTTTGGATTGCAGCAT[CA>C]GGGGAGTGTCAGCTGGCACGTTCACATTAGCCTTCTCTTTCTCCCAGGCATCGCGATACA-3'